The following is an entry in ClinVar:

ClinVar aggregate classification (germline): Uncertain significance (1 of 4 stars; one submission).

Conditions:
Inborn genetic diseases. Identifiers: MedGen C0950123, MeSH D030342.

gnomAD v4.1: 4 of 1,613,732 alleles (0.00025%); highest among the groups gnomAD compares: Non-Finnish European, 0.00034%; no homozygotes.

Submission:

Ambry Genetics
Classification: Uncertain significance for Inborn genetic diseases. Last evaluated: 2026-05-19. Review status: criteria provided, single submitter. Criteria: Ambry Variant Classification Scheme 2023. Collection method: clinical testing. Allele origin: germline.
Comment: The p.N330K variant (also known as c.990C>A), located in coding exon 1 of the SAMD9 gene, results from a C to A substitution at nucleotide position 990. The asparagine at codon 330 is replaced by lysine, an amino acid with similar properties. This amino acid position is conserved. In addition, this alteration is predicted to be tolerated by in silico analysis. Based on the available evidence, the clinical significance of this variant remains unclear.

NM_017654.4(SAMD9):c.990C>A (p.Asn330Lys)

Gene: SAMD9 (sterile alpha motif domain containing 9; minus strand). Cytogenetic location: 7q21.2.
Variant type: single nucleotide variant.
Coding change: c.990C>A on transcript NM_017654.4 (MANE Select); coding-DNA position 990, C replaced by A.
Protein change: p.Asn330Lys; replaces asparagine 330 with lysine.
Molecular consequence: missense variant.
Genome position (GRCh38, 1-based): chr7:93,105,108, G>T on the plus strand (C>A on the coding strand, the complement: SAMD9 is on the minus strand). VCF-style: chr7-93105108-G-T. GRCh37 (hg19) VCF-style: chr7-92734421-G-T.
Other names: c.990C>A, p.Asn330Lys (NM_001193307.2); short protein forms N330K.
Identifiers: ClinVar variation 4863868 (VCV004863868.1).
Genomic context (GRCh38, chr7:93,105,108, plus strand): 5'-CTTAGAGCTGGTCCCATCTCGCACAAATAGTGAGAATTTTTTACTTTGTTCCCATATTTT[G>T]TTGTTGTAATTTTGCATTTTAATCTGGAAATAATCATATTGGCATTCAGAGAACTGTGGA-3'
Protein context (NP_060124.2, residues 320-340): YFQIKMQNYN[Asn330Lys]KIWEQSKKFS